The following is an entry in ClinVar:

ClinVar aggregate classification (germline): Uncertain significance. Review status: criteria provided, multiple submitters, no conflicts (2 of 4 stars). 2 submissions from 2 submitters: Uncertain significance (2). Last evaluated 2024-04-15.

Conditions:
Inborn genetic diseases. Identifiers: MedGen C0950123, MeSH D030342.

gnomAD v4.1: 1 of 1,575,884 alleles (0.000063%); no homozygotes.

Submissions (2):

Ambry Genetics
Classification: Uncertain significance for Inborn genetic diseases. Last evaluated: 2024-04-15. Review status: criteria provided, single submitter. Criteria: Ambry Variant Classification Scheme 2023. Collection method: clinical testing. Allele origin: germline.

Labcorp Genetics (formerly Invitae), Labcorp
Classification: Uncertain significance. Last evaluated: 2022-08-09. Review status: criteria provided, single submitter. Criteria: Invitae Variant Classification Sherloc (09022015). Collection method: clinical testing. Allele origin: germline.
Comment: This sequence change replaces alanine, which is neutral and non-polar, with proline, which is neutral and non-polar, at codon 3637 of the FRAS1 protein (p.Ala3637Pro). This variant is not present in population databases (gnomAD no frequency). This variant has not been reported in the literature in individuals affected with FRAS1-related conditions. Algorithms developed to predict the effect of missense changes on protein structure and function are either unavailable or do not agree on the potential impact of this missense change (SIFT: "Deleterious"; PolyPhen-2: "Benign"; Align-GVGD: "Class C25"). In summary, the available evidence is currently insufficient to determine the role of this variant in disease. Therefore, it has been classified as a Variant of Uncertain Significance.

NM_025074.7(FRAS1):c.10909G>C (p.Ala3637Pro)

Gene: FRAS1 (Fraser extracellular matrix complex subunit 1; plus strand). Cytogenetic location: 4q21.21.
Variant type: single nucleotide variant.
Coding change: c.10909G>C on transcript NM_025074.7 (MANE Select); coding-DNA position 10909, G replaced by C.
Protein change: p.Ala3637Pro; replaces alanine 3637 with proline.
Molecular consequence: missense variant.
Genome position (GRCh38, 1-based): chr4:78,526,641, G>C. VCF-style: chr4-78526641-G-C. GRCh37 (hg19) VCF-style: chr4-79447795-G-C.
Other names: c.10909G>C (NM_025074.6); short protein forms A3637P.
Identifiers: ClinVar variation 2065014 (VCV002065014.2), dbSNP rs2475838482, ClinGen allele CA357393563.